The following is an entry in ClinVar:

NM_004465.2(FGF10):c.1_31delinsGCAGCCTTTCAGTTTCAG (p.Met1fs)

Gene: FGF10 (fibroblast growth factor 10; minus strand). Cytogenetic location: 5p12.
Variant type: Indel.
Coding change: c.1_31delinsGCAGCCTTTCAGTTTCAG on transcript NM_004465.2 (MANE Select); coding-DNA positions 1 to 31, the reference bases replaced by GCAGCCTTTCAGTTTCAG.
Protein change: p.Met1fs; shifts the reading frame from methionine 1.
Molecular consequence: frameshift variant, initiator codon variant.
Genome position (GRCh38, 1-based): chr5:44,388,652-44,388,682, 31 bases replaced. GRCh37 (hg19): chr5:44,388,754-44,388,784.
Other names: c.1_31del31insGCAGCCTTTCAGTTTCAG, p.Met1Alafs (NM_004465.1); short protein forms M1fs.
Identifiers: ClinVar variation 3254622 (VCV003254622.2), dbSNP rs2478544218.

ClinVar aggregate classification (germline): Likely pathogenic (1 of 4 stars; one submission).

Conditions:
Congenital absence of salivary gland (ALSG). Also called: Aplasia of lacrimal and salivary glands; Salivary glands, absence of. Identifiers: Orphanet 86815, MedGen C0158667, MONDO:0008397, OMIM 180920.

Submission:

Victorian Clinical Genetics Services, Murdoch Childrens Research Institute
Classification: Likely pathogenic for Congenital absence of salivary gland. Last evaluated: 2024-09-19. Review status: criteria provided, single submitter. Criteria: ACMG Guidelines, 2015. Collection method: clinical testing. Allele origin: germline. Inheritance: Autosomal dominant inheritance. Affected: yes.
Comment: Based on the classification scheme VCGS_Germline_v1.3.4, this variant is classified as Likely pathogenic. Following criteria are met: 0102 - Loss of function is a known mechanism of disease in this gene and is associated with aplasia of lacrimal and salivary glands (ALSG) (MIM#180920). (I) 0115 - Variants in this gene are known to have variable expressivity. Variable expressivity has been reported and it has been suggested that ALSG and LADD syndrome are part of the same phenotypic spectrum (PMID: 16630169, 26955834). (I) 0107 - This gene is associated with autosomal dominant disease. (I) 0206 - Variant is predicted to result in a loss of the canonical translation initiation codon (ATG). (SP) 0251 - This variant is heterozygous. (I) 0301 - Variant is absent from gnomAD (both v2 and v3). (SP) 0704 - Another canonical translation initiation codon variant comparable to the one identified in this case has limited previous evidence for pathogenicity (ClinVar). (SP) 0807 - This variant has no previous evidence of pathogenicity. (I) 0905 - No published segregation evidence has been identified for this variant. (I) 1007 - No published functional evidence has been identified for this variant. (I) 1102 - Strong phenotype match for this individual. (SP) 1208 - Inheritance information for this variant is not currently available in this individual. (I) Legend: (SP) - Supporting pathogenic, (I) - Information, (SB) - Supporting benign

Literature cited by the submitters: PubMed 16630169; PubMed 26955834.